The following is an entry in ClinVar:

ClinVar aggregate classification (germline): Uncertain significance (0 of 4 stars; one submission).

Conditions:
HSD17B4-related disorder. Also called: HSD17B4-related condition; HSD17B4-related disorders.

Submission:

PreventionGenetics, part of Exact Sciences
Classification: Uncertain significance for HSD17B4-related condition. Last evaluated: 2024-08-05. Review status: no assertion criteria provided. Collection method: clinical testing. Allele origin: germline.
Comment: The HSD17B4 c.272G>T variant is predicted to result in the amino acid substitution p.Gly91Val. To our knowledge, this variant has not been reported in the literature or in a large population database, indicating this variant is rare. At this time, the clinical significance of this variant is uncertain due to the absence of conclusive functional and genetic evidence.

NM_000414.4(HSD17B4):c.272G>T (p.Gly91Val)

Gene: HSD17B4 (hydroxysteroid 17-beta dehydrogenase 4; plus strand). Cytogenetic location: 5q23.1.
Variant type: single nucleotide variant.
Coding change: c.272G>T on transcript NM_000414.4 (MANE Select); coding-DNA position 272, G replaced by T.
Protein change: p.Gly91Val; replaces glycine 91 with valine.
Molecular consequence: missense variant. On other transcripts: 5 prime UTR variant (6), non-coding transcript variant (2).
Genome position (GRCh38, 1-based): chr5:119,474,452, G>T. VCF-style: chr5-119474452-G-T. GRCh37 (hg19) VCF-style: chr5-118810147-G-T.
Other names: c.347G>T, p.Gly116Val (NM_001199291.3); c.218G>T, p.Gly73Val (NM_001199292.2); c.200G>T, p.Gly67Val (NM_001292027.2); c.-140G>T (NM_001292028.2, NM_001374501.1, NM_001374502.1 and 1 more transcripts); c.272G>T, p.Gly91Val (NM_001374497.1, NM_001374498.1); c.-9G>T (NM_001374499.1); c.-267G>T (NM_001374500.1); short protein forms G116V, G67V, G73V, G91V.
Identifiers: ClinVar variation 3344128 (VCV003344128.1).